The following is an entry in ClinVar:

ClinVar aggregate classification (germline): Benign/Likely benign. Review status: criteria provided, multiple submitters, no conflicts (2 of 4 stars). 2 submissions from 2 submitters: Benign (1); Likely benign (1). Last evaluated 2026-04-01.

Allele frequency attached by ClinVar (database versions not stated): gnomAD 0.00006; gnomAD exomes 0.00006; TOPMed 0.00009; 1000 Genomes Project 30x 0.00016; 1000 Genomes Project 0.00020; ExAC 0.00024.
gnomAD v4.1: 102 of 1,610,482 alleles (0.0063%); highest among the groups gnomAD compares: East Asian, 0.096%; no homozygotes.

Submissions (2):

CeGaT Center for Human Genetics Tuebingen
Classification: Likely benign. Last evaluated: 2026-04-01. Review status: criteria provided, single submitter. Criteria: CeGaT Center For Human Genetics Tuebingen Variant Classification Criteria Version 2. Collection method: clinical testing. Allele origin: germline. Affected: yes. Observed: 1 variant allele.
Comment: PDHX: BP4, BP7

Labcorp Genetics (formerly Invitae), Labcorp
Classification: Benign. Last evaluated: 2025-08-26. Review status: criteria provided, single submitter. Criteria: Invitae Variant Classification Sherloc (09022015). Collection method: clinical testing. Allele origin: germline.

NM_003477.3(PDHX):c.249G>A (p.Ala83=)

Gene: PDHX (pyruvate dehydrogenase complex component X; plus strand). Cytogenetic location: 11p13.
Variant type: single nucleotide variant.
Coding change: c.249G>A on transcript NM_003477.3 (MANE Select); coding-DNA position 249, G replaced by A.
Protein change: p.Ala83=; no amino-acid change (alanine 83 retained).
Molecular consequence: synonymous variant.
Genome position (GRCh38, 1-based): chr11:34,947,513, G>A. VCF-style: chr11-34947513-G-A. GRCh37 (hg19) VCF-style: chr11-34969060-G-A.
Other names: c.69G>A, p.Ala23= (NM_001135024.2); c.249G>A, p.Ala83= (NM_001166158.2).
Identifiers: ClinVar variation 2732571 (VCV002732571.5), dbSNP rs376628638, ClinGen allele CA5945810.